The following is an entry in ClinVar:

ClinVar aggregate classification (germline): Conflicting classifications of pathogenicity. Review status: criteria provided, conflicting classifications (1 of 4 stars). 5 submissions from 5 submitters: Likely pathogenic (3); Uncertain significance (1). 1 of the submissions does not count toward it. Last evaluated 2023-05-04.

Conditions:
Trigonocephaly 1 (TRIGNO1). Identifiers: Orphanet 3366, MedGen C0432122, MONDO:0008603, OMIM 190440.
Hypogonadotropic hypogonadism 2 with or without anosmia (HH2). Also called: FGFR1-Related GnRH Deficiency (Kallmann Syndrome 2); HYPOGONADOTROPIC HYPOGONADISM 2 WITHOUT ANOSMIA, SUSCEPTIBILITY TO; HYPOGONADOTROPIC HYPOGONADISM 2 WITHOUT ANOSMIA; HYPOGONADOTROPIC HYPOGONADISM 2 WITH OR WITHOUT ANOSMIA, SUSCEPTIBILITY TO. Identifiers: Orphanet 478, MedGen C1563720, MONDO:0007844, OMIM 147950. Disease mechanism: loss of function.
Encephalocraniocutaneous lipomatosis (ECCL). Identifiers: Orphanet 2396, MedGen C0406612, MONDO:0013074, OMIM 613001.
Osteoglophonic dysplasia (OGD). Also called: Osteoglophonic dwarfism. Identifiers: Orphanet 2645, MedGen C0432283, MONDO:0008150, OMIM 166250.
Hartsfield-Bixler-Demyer syndrome (HRTFDS). Also called: Holoprosencephaly, ectrodactyly, and bilateral cleft lip/palate; FGFR1-Related Hartsfield Syndrome; Hartsfield syndrome. Identifiers: Orphanet 2117, MedGen C1845146, MONDO:0014196, OMIM 615465. Disease mechanism: loss of function.
Pfeiffer syndrome (ACS5). Also called: ACS V. Identifiers: Orphanet 710, MedGen C0220658, MONDO:0007043, OMIM 101600.
Jackson-Weiss syndrome (JWS). Also called: CRANIOSYNOSTOSIS, MIDFACIAL HYPOPLASIA, AND FOOT ABNORMALITIES. Identifiers: Orphanet 1540, MedGen C0795998, MONDO:0007400, OMIM 123150. Disease mechanism: loss of function.
Hypogonadotropic hypogonadism 2 with anosmia. Identifiers: MedGen C4016104.
Hypogonadotropic hypogonadism 7 with or without anosmia (HH7). Also called: HYPOGONADOTROPIC HYPOGONADISM 7 WITHOUT ANOSMIA; GNRHR-Related GnRH Deficiency. Identifiers: Orphanet 432, MedGen C0342384, MONDO:0007794, OMIM 146110.

Allele frequency attached by ClinVar (database versions not stated): gnomAD exomes below 0.00001.
gnomAD v4.1: 4 of 1,614,054 alleles (0.00025%); highest among the groups gnomAD compares: South Asian, 0.0011%; no homozygotes.

Submissions (5):

Reproductive Endocrine Unit, Massachusetts General Hospital
Classification: Likely pathogenic for Hypogonadotropic hypogonadism 2 with or without anosmia. Last evaluated: 2023-05-04. Review status: criteria provided, single submitter. Criteria: ACMG Guidelines, 2015. Collection method: research. Allele origin: de novo. Affected: yes. Observed: 1 variant allele.
Comment: The variant has been classified as LP2 based on the variant meeting the following ACMG Criteria: PS2,PM2.

GeneDx
Classification: Uncertain significance. Last evaluated: 2022-01-20. Review status: criteria provided, single submitter. Criteria: GeneDx Variant Classification Process June 2021. Collection method: clinical testing. Allele origin: germline. Affected: yes.
Comment: Observed in other patients with isolated gonadotropin-releasing hormone deficiency or idiopathic hypogonadotropic hypogonadism in published literature; however, detailed information is not available and one patient harbored variants in other genes (Zhu J et al., 2015; Stamou M et al., 2019); Not observed at significant frequency in large population cohorts (gnomAD); In silico analysis supports that this missense variant does not alter protein structure/function; This variant is associated with the following publications: (PMID: Beneduzzi[article], 31628846, 25636053, 16882753, 23329143)

Fulgent Genetics
Classification: Likely pathogenic for Pfeiffer syndrome; Jackson-Weiss syndrome; Hypogonadotropic hypogonadism 2 with or without anosmia; Osteoglophonic dysplasia; Trigonocephaly 1; Encephalocraniocutaneous lipomatosis; Hartsfield-Bixler-Demyer syndrome. Last evaluated: 2018-10-31. Review status: criteria provided, single submitter. Criteria: ACMG Guidelines, 2015. Collection method: clinical testing. Allele origin: unknown.

Chan Lab, Boston Children's Hospital
Classification: Likely pathogenic for Hypogonadotrophic hypogonadism. Last evaluated: 2014-11-01. Review status: criteria provided, single submitter. Criteria: Submitter's publication. Collection method: case-control. Allele origin: de novo. Affected: yes. Observed: 1 variant allele.

OMIM
Classification: risk factor for HYPOGONADOTROPIC HYPOGONADISM 2 WITH ANOSMIA, SUSCEPTIBILITY TO. Last evaluated: 2006-10-01. Review status: no assertion criteria provided. Collection method: literature only. Allele origin: germline. Not counted in ClinVar's aggregate classification.

Literature cited by the submitters: PubMed 16882753 (cited by OMIM).

NM_023110.3(FGFR1):c.1097C>T (p.Pro366Leu)

Gene: FGFR1 (fibroblast growth factor receptor 1; minus strand). Cytogenetic location: 8p11.23.
Variant type: single nucleotide variant.
Coding change: c.1097C>T on transcript NM_023110.3 (MANE Select); coding-DNA position 1097, C replaced by T.
Protein change: p.Pro366Leu; replaces proline 366 with leucine.
Molecular consequence: missense variant.
Genome position (GRCh38, 1-based): chr8:38,419,720, G>A on the plus strand (C>T on the coding strand, the complement: FGFR1 is on the minus strand). VCF-style: chr8-38419720-G-A. GRCh37 (hg19) VCF-style: chr8-38277238-G-A.
Other names: c.1097C>T, p.Pro366Leu (NM_001174063.2); c.1073C>T, p.Pro358Leu (NM_001174064.2); c.1091C>T, p.Pro364Leu (NM_001174065.2, NM_001354367.2, NM_001354369.2 and 1 more transcripts); c.830C>T, p.Pro277Leu (NM_001174066.2, NM_023105.3); c.1190C>T, p.Pro397Leu (NM_001174067.2); c.824C>T, p.Pro275Leu (NM_001354368.2, NM_001354370.2, NM_023106.3); short protein forms P366L, P358L, P275L, P397L, P277L, P364L.
Identifiers: ClinVar variation 16299 (VCV000016299.5), dbSNP rs121909641, ClinGen allele CA130222.